The following is an entry in ClinVar:

NM_000632.4(ITGAM):c.859-18_859-17insTGGTAAATCATCTCACAC

Gene: ITGAM (integrin subunit alpha M; plus strand). Cytogenetic location: 16p11.2.
Variant type: Insertion.
Coding change: c.859-18_859-17insTGGTAAATCATCTCACAC on transcript NM_000632.4 (MANE Select); 18 bases into the intron before coding-DNA position 859 through 17 bases into the intron before coding-DNA position 859, TGGTAAATCATCTCACAC inserted.
Molecular consequence: intron variant.
Genome position: GRCh38 VCF-style: chr16-31275531-T-TTGGTAAATCATCTCACAC. GRCh37 (hg19) VCF-style: chr16-31286852-T-TTGGTAAATCATCTCACAC.
Other names: c.859-18_859-17insTGGTAAATCATCTCACAC (NM_001145808.2).
Identifiers: ClinVar variation 2036358 (VCV002036358.4), dbSNP rs2544393273, ClinGen allele CA2580091517.

ClinVar aggregate classification (germline): Uncertain significance (1 of 4 stars; one submission).

Submission:

Labcorp Genetics (formerly Invitae), Labcorp
Classification: Uncertain significance. Last evaluated: 2022-10-20. Review status: criteria provided, single submitter. Criteria: Invitae Variant Classification Sherloc (09022015). Collection method: clinical testing. Allele origin: germline.
Comment: This variant has not been reported in the literature in individuals affected with ITGAM-related conditions. In summary, the available evidence is currently insufficient to determine the role of this variant in disease. Therefore, it has been classified as a Variant of Uncertain Significance. Algorithms developed to predict the effect of sequence changes on RNA splicing suggest that this variant may disrupt the consensus splice site. This variant is not present in population databases (gnomAD no frequency). This sequence change falls in intron 8 of the ITGAM gene. It does not directly change the encoded amino acid sequence of the ITGAM protein.